The following is an entry in ClinVar:

NM_203447.4(DOCK8):c.2111A>G (p.Lys704Arg)

Gene: DOCK8 (dedicator of cytokinesis 8; plus strand). Cytogenetic location: 9p24.3.
Variant type: single nucleotide variant.
Coding change: c.2111A>G on transcript NM_203447.4 (MANE Select); coding-DNA position 2111, A replaced by G.
Protein change: p.Lys704Arg; replaces lysine 704 with arginine.
Molecular consequence: missense variant.
Genome position (GRCh38, 1-based): chr9:376,211, A>G. VCF-style: chr9-376211-A-G. GRCh37 (hg19) VCF-style: chr9-376211-A-G.
Other names: c.1907A>G, p.Lys636Arg (NM_001190458.2, NM_001193536.2); short protein forms K704R, K636R.
Identifiers: ClinVar variation 936638 (VCV000936638.3), dbSNP rs550143471, ClinGen allele CA4958096.

ClinVar aggregate classification (germline): Uncertain significance (1 of 4 stars; one submission).

Conditions:
Combined immunodeficiency due to DOCK8 deficiency (HIES2). Also called: HIES autosomal recessive; HYPER-IgE SYNDROME 2, AUTOSOMAL RECESSIVE, WITH RECURRENT INFECTIONS; DOCK8 Deficiency; Hyper-IgE recurrent infection syndrome, autosomal recessive; HYPER-IgE RECURRENT INFECTION SYNDROME 2, AUTOSOMAL RECESSIVE. Identifiers: Orphanet 217390, MedGen C4722305, MONDO:0009478, OMIM 243700.

Allele frequency attached by ClinVar (database versions not stated): gnomAD 0.00001; ExAC 0.00002; gnomAD exomes 0.00002; TOPMed 0.00002; 1000 Genomes Project 30x 0.00016; 1000 Genomes Project 0.00020.
gnomAD v4.1: 34 of 1,605,050 alleles (0.0021%); highest among the groups gnomAD compares: Middle Eastern, 0.066%; no homozygotes.

Submission:

Labcorp Genetics (formerly Invitae), Labcorp
Classification: Uncertain significance for Combined immunodeficiency due to DOCK8 deficiency. Last evaluated: 2022-11-01. Review status: criteria provided, single submitter. Criteria: Invitae Variant Classification Sherloc (09022015). Collection method: clinical testing. Allele origin: germline.
Comment: This sequence change replaces lysine, which is basic and polar, with arginine, which is basic and polar, at codon 704 of the DOCK8 protein (p.Lys704Arg). This variant is present in population databases (rs550143471, gnomAD 0.01%). This missense change has been observed in individual(s) with primary immunodeficiency (PMID: 27872624). This variant is also known as p.Lys636Arg. ClinVar contains an entry for this variant (Variation ID: 936638). Algorithms developed to predict the effect of missense changes on protein structure and function are either unavailable or do not agree on the potential impact of this missense change (SIFT: "Deleterious"; PolyPhen-2: "Benign"; Align-GVGD: "Class C0"). In summary, the available evidence is currently insufficient to determine the role of this variant in disease. Therefore, it has been classified as a Variant of Uncertain Significance.

Literature cited by the submitters: PubMed 27872624.